The following is an entry in ClinVar:

NM_139076.3(ABRAXAS1):c.433T>C (p.Ser145Pro)

Gene: ABRAXAS1 (abraxas 1, BRCA1 A complex subunit; minus strand). Cytogenetic location: 4q21.23.
Variant type: single nucleotide variant.
Coding change: c.433T>C on transcript NM_139076.3 (MANE Select); coding-DNA position 433, T replaced by C.
Protein change: p.Ser145Pro; replaces serine 145 with proline.
Molecular consequence: missense variant.
Genome position (GRCh38, 1-based): chr4:83,470,246, A>G on the plus strand (T>C on the coding strand, the complement: ABRAXAS1 is on the minus strand). VCF-style: chr4-83470246-A-G. GRCh37 (hg19) VCF-style: chr4-84391399-A-G.
Other names: c.106T>C, p.Ser36Pro (NM_001345962.2); short protein forms S145P, S36P.
Identifiers: ClinVar variation 411320 (VCV000411320.13), dbSNP rs886983641, ClinGen allele CA16611630.

ClinVar aggregate classification (germline): Uncertain significance. Review status: criteria provided, multiple submitters, no conflicts (2 of 4 stars). 3 submissions from 3 submitters: Uncertain significance (3). Last evaluated 2025-10-31.

Allele frequency attached by ClinVar (database versions not stated): gnomAD exomes below 0.00001 and 0.00003; gnomAD 0.00002 and 0.00003; TOPMed 0.00002.
gnomAD v4.1: 41 of 1,613,642 alleles (0.0025%); highest among the groups gnomAD compares: African/African-American, 0.0053%; no homozygotes.

Submissions (3):

Women's Health and Genetics/Laboratory Corporation of America, LabCorp
Classification: Uncertain significance. Last evaluated: 2025-10-31. Review status: criteria provided, single submitter. Criteria: LabCorp Variant Classification Summary - May 2015. Collection method: clinical testing. Allele origin: germline.

Ambry Genetics
Classification: Uncertain significance. Last evaluated: 2025-03-18. Review status: criteria provided, single submitter. Criteria: Ambry Variant Classification Scheme 2023. Collection method: clinical testing. Allele origin: germline.
Comment: The p.S145P variant (also known as c.433T>C), located in coding exon 5 of the FAM175A gene, results from a T to C substitution at nucleotide position 433. The serine at codon 145 is replaced by proline, an amino acid with similar properties. This amino acid position is conserved. In addition, the in silico prediction for this alteration is inconclusive. Since supporting evidence is limited at this time, the clinical significance of this alteration remains unclear.

Labcorp Genetics (formerly Invitae), Labcorp
Classification: Uncertain significance. Last evaluated: 2023-08-17. Review status: criteria provided, single submitter. Criteria: Invitae Variant Classification Sherloc (09022015). Collection method: clinical testing. Allele origin: germline.
Comment: This sequence change replaces serine, which is neutral and polar, with proline, which is neutral and non-polar, at codon 145 of the ABRAXAS1 protein (p.Ser145Pro). This variant is present in population databases (no rsID available, gnomAD 0.004%). This variant has not been reported in the literature in individuals affected with ABRAXAS1-related conditions. ClinVar contains an entry for this variant (Variation ID: 411320). Advanced modeling of protein sequence and biophysical properties (such as structural, functional, and spatial information, amino acid conservation, physicochemical variation, residue mobility, and thermodynamic stability) performed at Invitae indicates that this missense variant is expected to disrupt ABRAXAS1 protein function. In summary, the available evidence is currently insufficient to determine the role of this variant in disease. Therefore, it has been classified as a Variant of Uncertain Significance.